The following is an entry in ClinVar:

NM_007078.3(LDB3):c.897-1_897del

Gene: LDB3 (LIM domain binding 3; plus strand). Cytogenetic location: 10q23.2.
Variant type: Deletion.
Coding change: c.897-1_897del on transcript NM_007078.3 (MANE Select); the canonical splice acceptor site of the intron before coding-DNA position 897 through coding-DNA position 897, 2 bases deleted (GC; older notation c.897-1_897delGC).
Molecular consequence: splice acceptor variant. On other transcripts: intron variant (4).
Genome position (GRCh38, 1-based): chr10:86,706,530-86,706,531, GC deleted. VCF-style (leftmost placement, unchanged base first): chr10-86706529-AGC-A. GRCh37 (hg19) VCF-style: chr10-88466286-AGC-A.
Other names: c.897-3375_897-3374del (NM_001368064.1, NM_001368065.1); c.1101-3375_1101-3374del (NM_001171610.2); c.756-1_756del (NM_001368066.1); c.756-3375_756-3374del (NM_001080114.2); c.897-1_897delGC (NM_007078.2, NM_007078.3).
Identifiers: ClinVar variation 967716 (VCV000967716.15), dbSNP rs1354084230, ClinGen allele CA594903579.
Genomic context (GRCh38, chr10:86,706,529, plus strand): 5'-AGGGGCCTCACAGGGTCTCTAGGCTCCCTTGACCTGTTGTCTTTTTGGTCCCGCCTCATC[AGC>A]ACCCCTATTGAGCATGCGCCGGTGTGCACCAGCCAGGCCACCACCCCGCTGCTGCCCGCT-3'

ClinVar aggregate classification (germline): Conflicting classifications of pathogenicity. Review status: criteria provided, conflicting classifications (1 of 4 stars). 5 submissions from 5 submitters: Likely pathogenic (1); Uncertain significance (4). Last evaluated 2026-08-28.

Conditions:
Cardiovascular phenotype. Identifiers: MedGen CN230736.
Dilated cardiomyopathy 1C (CMD1C). Also called: CARDIOMYOPATHY, DILATED, 1C, WITH OR WITHOUT LEFT VENTRICULAR NONCOMPACTION; Cardiomyopathy, dilated, 1C, with or without LVNC. Identifiers: Orphanet 154, Orphanet 54260, MedGen C1832244, MONDO:0011094, OMIM 601493.
Myofibrillar myopathy 4. Also called: Zaspopathy (type). Identifiers: Orphanet 98912, MedGen C4721886, MONDO:0012277, OMIM 609452.
Primary familial hypertrophic cardiomyopathy (HCM). Identifiers: Orphanet 99739, MedGen C0949658, MeSH D024741, MONDO:0024573. Inheritance: Various modes of inheritance.

Allele frequency attached by ClinVar (database versions not stated): gnomAD 0.00001; gnomAD exomes below 0.00001 and 0.00002; TOPMed 0.00001.

Submissions (5):

Ambry Genetics
Classification: Uncertain significance for Cardiovascular phenotype. Last evaluated: 2026-08-28. Review status: criteria provided, single submitter. Criteria: Ambry Variant Classification Scheme 2023. Collection method: clinical testing. Allele origin: germline.
Comment: The c.897-1_897delGC variant results from a deletion of 2 nucleotides between positions 897-1 and 897 and involves the canonical splice acceptor site before coding exon 7 of the LDB3 gene. The canonical splice acceptor site is highly conserved in available vertebrate species. In silico splice site analysis predicts that this alteration will weaken the native splice acceptor site. Variants that disrupt the canonical splice site are expected to cause aberrant splicing, resulting in an abnormal protein or a transcript that is subject to nonsense-mediated mRNA decay. However, loss of function of LDB3 has not been clearly established as a mechanism of disease. Since supporting evidence is limited at this time, the clinical significance of this alteration remains unclear.

Women's Health and Genetics/Laboratory Corporation of America, LabCorp
Classification: Likely pathogenic for Primary familial hypertrophic cardiomyopathy. Last evaluated: 2025-05-02. Review status: criteria provided, single submitter. Criteria: LabCorp Variant Classification Summary - May 2015. Collection method: clinical testing. Allele origin: germline.
Comment: Variant summary: LDB3 c.897-1_897delGC is located in a canonical splice-site and is predicted to affect mRNA splicing resulting in a significantly altered protein due to either exon skipping, shortening, or inclusion of intronic material. Variants that disrupt the consensus splice site are a relatively common cause of aberrant splicing and loss of LDB3 function. Several computational tools predict a significant impact on normal splicing: Three predict the variant abolishes a 3' acceptor site. However, these predictions have yet to be confirmed by functional studies. The variant allele was found at a frequency of 4e-06 in 248434 control chromosomes. To our knowledge, no occurrence of c.897-1_897delGC in individuals affected with Hypertrophic Cardiomyopathy and no experimental evidence demonstrating its impact on protein function have been reported. ClinVar contains an entry for this variant (Variation ID: 967716). Based on the evidence outlined above, the variant was classified as likely pathogenic.

Fulgent Genetics
Classification: Uncertain significance for Dilated cardiomyopathy 1C; Myofibrillar myopathy 4. Last evaluated: 2024-06-21. Review status: criteria provided, single submitter. Criteria: ACMG Guidelines, 2015. Collection method: clinical testing. Allele origin: germline.

Labcorp Genetics (formerly Invitae), Labcorp
Classification: Uncertain significance for Myofibrillar myopathy 4. Last evaluated: 2022-04-08. Review status: criteria provided, single submitter. Criteria: Invitae Variant Classification Sherloc (09022015). Collection method: clinical testing. Allele origin: germline.
Comment: The LDB3 gene has multiple clinically relevant transcripts. This variant occurs in alternate transcript NM_007078.3 and corresponds to NM_001080116.1:c.*7156_*7157del in the primary transcript. This sequence change affects an acceptor splice site in intron 7 of the LDB3 gene. It is expected to disrupt RNA splicing. Variants that disrupt the donor or acceptor splice site typically lead to a loss of protein function (PMID: 16199547), however the current clinical and genetic evidence is not sufficient to establish whether loss-of-function variants in LDB3 cause disease. This variant is present in population databases (no rsID available, gnomAD 0.002%). This variant has not been reported in the literature in individuals affected with LDB3-related conditions. In summary, the available evidence is currently insufficient to determine the role of this variant in disease. Therefore, it has been classified as a Variant of Uncertain Significance.

Blueprint Genetics
Classification: Uncertain significance. Last evaluated: 2020-06-12. Review status: criteria provided, single submitter. Criteria: ACMG Guidelines, 2015. Collection method: clinical testing. Allele origin: germline.

Literature cited by the submitters: PubMed 16199547 (cited by Labcorp Genetics (formerly Invitae), Labcorp).